The following is an entry in ClinVar:

ClinVar aggregate classification (germline): Conflicting classifications of pathogenicity. Review status: criteria provided, conflicting classifications (1 of 4 stars). 4 submissions from 4 submitters: Uncertain significance (3); Likely benign (1). Last evaluated 2025-10-01.

Conditions:
Inborn genetic diseases. Identifiers: MedGen C0950123, MeSH D030342.

Allele frequency attached by ClinVar (database versions not stated): ExAC 0.00001; gnomAD 0.00001; gnomAD exomes 0.00002; 1000 Genomes Project 30x 0.00016; 1000 Genomes Project 0.00020.
gnomAD v4.1: 37 of 1,614,188 alleles (0.0023%); highest among the groups gnomAD compares: South Asian, 0.038%; no homozygotes.

Submissions (4):

Ambry Genetics
Classification: Uncertain significance for Inborn genetic diseases. Last evaluated: 2025-10-01. Review status: criteria provided, single submitter. Criteria: Ambry Variant Classification Scheme 2023. Collection method: clinical testing. Allele origin: germline.

Labcorp Genetics (formerly Invitae), Labcorp
Classification: Uncertain significance. Last evaluated: 2023-06-04. Review status: criteria provided, single submitter. Criteria: Invitae Variant Classification Sherloc (09022015). Collection method: clinical testing. Allele origin: germline.
Comment: In summary, the available evidence is currently insufficient to determine the role of this variant in disease. Therefore, it has been classified as a Variant of Uncertain Significance. Advanced modeling of protein sequence and biophysical properties (such as structural, functional, and spatial information, amino acid conservation, physicochemical variation, residue mobility, and thermodynamic stability) performed at Invitae indicates that this missense variant is not expected to disrupt MYH3 protein function. ClinVar contains an entry for this variant (Variation ID: 211556). This variant has not been reported in the literature in individuals affected with MYH3-related conditions. This variant is present in population databases (rs539740208, gnomAD 0.02%). This sequence change replaces threonine, which is neutral and polar, with lysine, which is basic and polar, at codon 1733 of the MYH3 protein (p.Thr1733Lys).

Revvity Omics, Revvity
Classification: Uncertain significance. Last evaluated: 2019-09-19. Review status: criteria provided, single submitter. Criteria: ACMG Guidelines, 2015. Collection method: clinical testing. Allele origin: germline.

Genetic Services Laboratory, University of Chicago
Classification: Likely benign. Last evaluated: 2015-02-22. Review status: criteria provided, single submitter. Criteria: ACMG Guidelines, 2015. Collection method: clinical testing. Allele origin: germline.

NM_002470.4(MYH3):c.5198C>A (p.Thr1733Lys)

Gene: MYH3 (myosin heavy chain 3; minus strand). Cytogenetic location: 17p13.1.
Variant type: single nucleotide variant.
Coding change: c.5198C>A on transcript NM_002470.4 (MANE Select); coding-DNA position 5198, C replaced by A.
Protein change: p.Thr1733Lys; replaces threonine 1733 with lysine.
Molecular consequence: missense variant.
Genome position (GRCh38, 1-based): chr17:10,631,699, G>T on the plus strand (C>A on the coding strand, the complement: MYH3 is on the minus strand). VCF-style: chr17-10631699-G-T. GRCh37 (hg19) VCF-style: chr17-10535016-G-T.
Other names: c.5198C>A (NM_002470.3); short protein forms T1733K.
Identifiers: ClinVar variation 211556 (VCV000211556.13), dbSNP rs539740208, ClinGen allele CA208232.